The following is an entry in ClinVar:

NC_000002.12:g.(?_50465422)_(50472491_?)del

Gene: NRXN1 (neurexin 1; minus strand). Cytogenetic location: 2p16.3.
Variant type: Deletion.
Identifiers: ClinVar variation 584193 (VCV000584193.1).

ClinVar aggregate classification (germline): Uncertain significance (1 of 4 stars; one submission).

Conditions:
Pitt-Hopkins-like syndrome 2 (PTHSL2). Identifiers: Orphanet 221150, Orphanet 600663, MedGen C3280479, MONDO:0013690, OMIM 614325.

Submission:

Labcorp Genetics (formerly Invitae), Labcorp
Classification: Uncertain significance for Pitt-Hopkins-like syndrome 2. Last evaluated: 2018-04-23. Review status: criteria provided, single submitter. Criteria: Invitae Variant Classification Sherloc (09022015). Collection method: clinical testing. Allele origin: germline.
Comment: This variant is an in-frame deletion of the genomic region encompassing exons 17-18 of the NRXN1 gene. It preserves the integrity of the reading frame. Deletions of exon 17-18 have been reported in individuals affected with intellectual disability, developmental delay, autism, and seizuresÂ¬â€ (PMID: 20848651, 22617343, 23533028), however, in some families these were inherited from unaffected parents (PMID: 23533028, 20848651). In summary, the available evidence is currently insufficient to determine the role of this variant in disease. Therefore, it has been classified as a Variant of Uncertain Significance.

Literature cited by the submitters: PubMed 20848651; PubMed 22617343; PubMed 23533028.